The following is an entry in ClinVar:

ClinVar aggregate classification (germline): Uncertain significance (1 of 4 stars; one submission).

Allele frequency attached by ClinVar (database versions not stated): ExAC 0.00002; gnomAD 0.00002; TOPMed 0.00002; gnomAD exomes 0.00003 and 0.00007.
gnomAD v4.1: 18 of 1,205,902 alleles (0.0015%); highest among the groups gnomAD compares: Admixed American, 0.037%; no homozygotes.

Submission:

Women's Health and Genetics/Laboratory Corporation of America, LabCorp
Classification: Uncertain significance. Last evaluated: 2020-08-11. Review status: criteria provided, single submitter. Criteria: LabCorp Variant Classification Summary - May 2015. Collection method: clinical testing. Allele origin: germline.
Comment: Variant summary: ASB11 c.871T>C (p.Cys291Arg) results in a non-conservative amino acid change located in the SOCS box domain (IPR001496) of the encoded protein sequence. Five of five in-silico tools predict a damaging effect of the variant on protein function. The variant allele was found at a frequency of 6.8e-05 in 205038 control chromosomes, including 2 hemizygotes (gnomAD). This frequency doesn't allow clear conclusions about variant significance. To our knowledge, no occurrence of c.871T>C in individuals affected with ASB11-Related Disorders and no experimental evidence demonstrating its impact on protein function have been reported. No clinical diagnostic laboratories have submitted clinical-significance assessments for this variant to ClinVar after 2014. Based on the evidence outlined above, the variant was classified as uncertain significance.

NM_080873.3(ASB11):c.871T>C (p.Cys291Arg)

Gene: ASB11 (ankyrin repeat and SOCS box containing 11; minus strand). Cytogenetic location: Xp22.2.
Variant type: single nucleotide variant.
Coding change: c.871T>C on transcript NM_080873.3 (MANE Select); coding-DNA position 871, T replaced by C.
Protein change: p.Cys291Arg; replaces cysteine 291 with arginine.
Molecular consequence: missense variant.
Genome position (GRCh38, 1-based): chrX:15,283,606, A>G on the plus strand (T>C on the coding strand, the complement: ASB11 is on the minus strand). VCF-style: chrX-15283606-A-G. GRCh37 (hg19) VCF-style: chrX-15301728-A-G.
Other names: c.808T>C, p.Cys270Arg (NM_001012428.2); c.820T>C, p.Cys274Arg (NM_001201583.2); short protein forms C270R, C274R, C291R.
Identifiers: ClinVar variation 977690 (VCV000977690.1), dbSNP rs772919113, ClinGen allele CA10353794.